The following is an entry in ClinVar:

ClinVar aggregate classification (germline): Uncertain significance (1 of 4 stars; one submission).

Conditions:
Adams-Oliver syndrome 5 (AOS5). Identifiers: Orphanet 974, MedGen C4014970, MONDO:0014459, OMIM 616028.

Allele frequency attached by ClinVar (database versions not stated): gnomAD exomes below 0.00001; TOPMed below 0.00001.
gnomAD v4.1: 1 of 1,607,366 alleles (0.000062%); highest among the groups gnomAD compares: Non-Finnish European, 0.000085%; no homozygotes.

Submission:

Labcorp Genetics (formerly Invitae), Labcorp
Classification: Uncertain significance for Adams-Oliver syndrome 5. Last evaluated: 2021-01-29. Review status: criteria provided, single submitter. Criteria: Invitae Variant Classification Sherloc (09022015). Collection method: clinical testing. Allele origin: germline.
Comment: This sequence change replaces lysine with glutamic acid at codon 2078 of the NOTCH1 protein (p.Lys2078Glu). The lysine residue is highly conserved and there is a small physicochemical difference between lysine and glutamic acid. In summary, the available evidence is currently insufficient to determine the role of this variant in disease. Therefore, it has been classified as a Variant of Uncertain Significance. Advanced modeling of protein sequence and biophysical properties (such as structural, functional, and spatial information, amino acid conservation, physicochemical variation, residue mobility, and thermodynamic stability) performed at Invitae indicates that this missense variant is not expected to disrupt NOTCH1 protein function. This variant has not been reported in the literature in individuals with NOTCH1-related conditions. This variant is not present in population databases (ExAC no frequency).

NM_017617.5(NOTCH1):c.6232A>G (p.Lys2078Glu)

Gene: NOTCH1 (notch receptor 1; minus strand). Cytogenetic location: 9q34.3.
Variant type: single nucleotide variant.
Coding change: c.6232A>G on transcript NM_017617.5 (MANE Select); coding-DNA position 6232, A replaced by G.
Protein change: p.Lys2078Glu; replaces lysine 2078 with glutamic acid.
Molecular consequence: missense variant.
Genome position (GRCh38, 1-based): chr9:136,497,507, T>C on the plus strand (A>G on the coding strand, the complement: NOTCH1 is on the minus strand). VCF-style: chr9-136497507-T-C. GRCh37 (hg19) VCF-style: chr9-139391959-T-C.
Other names: short protein forms K2078E.
Identifiers: ClinVar variation 1484934 (VCV001484934.8), dbSNP rs1186927156, ClinGen allele CA375632182.
Genomic context (GRCh38, chr9:136,497,507, plus strand): 5'-GCGGCAGGCGGTCCATATGATCCGTGATGTCCCGGTTGGCAAAGTGGTCCAGCAGCACCT[T>C]GGCGGTCTCGTAGCTGCCCTCCCGGGCGGCCAGAAACAGGGGTGTCTCCTCCTGGGGGAT-3'
Protein context (NP_060087.3, residues 2068-2088): AAREGSYETA[Lys2078Glu]VLLDHFANRD